The following is an entry in ClinVar:

ClinVar aggregate classification (germline): Uncertain significance. Review status: criteria provided, multiple submitters, no conflicts (2 of 4 stars). 2 submissions from 2 submitters: Uncertain significance (2). Last evaluated 2023-11-09.

Conditions:
Inborn genetic diseases. Identifiers: MedGen C0950123, MeSH D030342.

Allele frequency attached by ClinVar (database versions not stated): gnomAD exomes below 0.00001; ExAC 0.00001.
gnomAD v4.1: 1 of 1,613,344 alleles (0.000062%); highest among the groups gnomAD compares: East Asian, 0.0022%; no homozygotes.

Submissions (2):

Ambry Genetics
Classification: Uncertain significance for Inborn genetic diseases. Last evaluated: 2023-11-09. Review status: criteria provided, single submitter. Criteria: Ambry Variant Classification Scheme 2023. Collection method: clinical testing. Allele origin: germline.
Comment: The p.P689L variant (also known as c.2066C>T), located in coding exon 9 of the ATR gene, results from a C to T substitution at nucleotide position 2066. The proline at codon 689 is replaced by leucine, an amino acid with similar properties. This amino acid position is conserved. In addition, this alteration is predicted to be tolerated by in silico analysis. Since supporting evidence is limited at this time, the clinical significance of this alteration remains unclear.

Labcorp Genetics (formerly Invitae), Labcorp
Classification: Uncertain significance. Last evaluated: 2023-08-28. Review status: criteria provided, single submitter. Criteria: Invitae Variant Classification Sherloc (09022015). Collection method: clinical testing. Allele origin: germline.
Comment: This sequence change replaces proline, which is neutral and non-polar, with leucine, which is neutral and non-polar, at codon 689 of the ATR protein (p.Pro689Leu). This variant is present in population databases (rs749652394, gnomAD 0.006%). This variant has not been reported in the literature in individuals affected with ATR-related conditions. ClinVar contains an entry for this variant (Variation ID: 1785294). An algorithm developed to predict the effect of missense changes on protein structure and function (PolyPhen-2) suggests that this variant is likely to be tolerated. In summary, the available evidence is currently insufficient to determine the role of this variant in disease. Therefore, it has been classified as a Variant of Uncertain Significance.

NM_001184.4(ATR):c.2066C>T (p.Pro689Leu)

Gene: ATR (ATR checkpoint kinase; minus strand). Cytogenetic location: 3q23.
Variant type: single nucleotide variant.
Coding change: c.2066C>T on transcript NM_001184.4 (MANE Select); coding-DNA position 2066, C replaced by T.
Protein change: p.Pro689Leu; replaces proline 689 with leucine.
Molecular consequence: missense variant.
Genome position (GRCh38, 1-based): chr3:142,556,395, G>A on the plus strand (C>T on the coding strand, the complement: ATR is on the minus strand). VCF-style: chr3-142556395-G-A. GRCh37 (hg19) VCF-style: chr3-142275237-G-A.
Other names: c.1874C>T, p.Pro625Leu (NM_001354579.2); short protein forms P625L, P689L.
Identifiers: ClinVar variation 1785294 (VCV001785294.5), dbSNP rs749652394, ClinGen allele CA2650448.